The following is an entry in ClinVar:

NM_134428.2(RFX3):c.124_132del

Gene: RFX3 (regulatory factor X3; minus strand). Cytogenetic location: 9p24.2.
Variant type: Microsatellite.
Coding change: c.124_132del on transcript NM_134428.2; coding-DNA positions 124 to 132, 9 bases deleted (CAGGTACAG; older notation c.124_132delCAGGTACAG).
Genome position (GRCh38, 1-based): chr9:3,346,750-3,346,758, CTGTACCTG deleted on the plus strand (CAGGTACAG on the coding strand, the reverse complement: RFX3 is on the minus strand); deleting any 9 consecutive bases within chr9:3,346,750-3,346,767 gives the same sequence; the c. name uses the placement nearest the transcript's 3' end. VCF-style (leftmost placement, unchanged base first): chr9-3346749-TCTGTACCTG-T. GRCh37 (hg19) VCF-style: chr9-3346749-TCTGTACCTG-T.
Identifiers: ClinVar variation 3371003 (VCV003371003.1).

ClinVar aggregate classification (germline): Uncertain significance (1 of 4 stars; one submission).

Submission:

GeneDx
Classification: Uncertain significance. Last evaluated: 2024-03-14. Review status: criteria provided, single submitter. Criteria: GeneDx Variant Classification Process June 2021. Collection method: clinical testing. Allele origin: germline. Affected: yes.
Comment: Not observed at significant frequency in large population cohorts (gnomAD); In-frame deletion of 3 amino acids in a non-repeat region; Has not been previously published as pathogenic or benign to our knowledge